The following is an entry in ClinVar:

NM_152743.4(BRAT1):c.1892C>T (p.Thr631Met)

Gene: BRAT1 (BRCA1 associated ATM activator 1; minus strand). Cytogenetic location: 7p22.3.
Variant type: single nucleotide variant.
Coding change: c.1892C>T on transcript NM_152743.4 (MANE Select); coding-DNA position 1892, C replaced by T.
Protein change: p.Thr631Met; replaces threonine 631 with methionine.
Molecular consequence: missense variant. On other transcripts: non-coding transcript variant (1).
Genome position (GRCh38, 1-based): chr7:2,538,643, G>A on the plus strand (C>T on the coding strand, the complement: BRAT1 is on the minus strand). VCF-style: chr7-2538643-G-A. GRCh37 (hg19) VCF-style: chr7-2578277-G-A.
Other names: c.2072C>T, p.Thr691Met (NM_001350626.2); c.1367C>T, p.Thr456Met (NM_001350627.2); short protein forms T631M, T691M, T456M.
Identifiers: ClinVar variation 942185 (VCV000942185.7), dbSNP rs763369342, ClinGen allele CA4127523.

ClinVar aggregate classification (germline): Uncertain significance. Review status: criteria provided, multiple submitters, no conflicts (2 of 4 stars). 2 submissions from 2 submitters: Uncertain significance (2). Last evaluated 2024-09-20.

Conditions:
Neonatal-onset encephalopathy with rigidity and seizures. Also called: Lethal neonatal spasticity-epileptic encephalopathy syndrome. Identifiers: Orphanet 435845, MedGen C3281029, MONDO:0013784, OMIM 614498.
Inborn genetic diseases. Identifiers: MedGen C0950123, MeSH D030342.

Allele frequency attached by ClinVar (database versions not stated): ExAC 0.00001; gnomAD 0.00001 and 0.00002; gnomAD exomes 0.00002 and 0.00004; TOPMed 0.00002.
gnomAD v4.1: 66 of 1,598,368 alleles (0.0041%); highest among the groups gnomAD compares: Non-Finnish European, 0.005%; no homozygotes.

Submissions (2):

Ambry Genetics
Classification: Uncertain significance for Inborn genetic diseases. Last evaluated: 2024-09-20. Review status: criteria provided, single submitter. Criteria: Ambry Variant Classification Scheme 2023. Collection method: clinical testing. Allele origin: germline.

Labcorp Genetics (formerly Invitae), Labcorp
Classification: Uncertain significance for Neonatal-onset encephalopathy with rigidity and seizures. Last evaluated: 2021-08-30. Review status: criteria provided, single submitter. Criteria: Invitae Variant Classification Sherloc (09022015). Collection method: clinical testing. Allele origin: germline.
Comment: This sequence change replaces threonine with methionine at codon 631 of the BRAT1 protein (p.Thr631Met). The threonine residue is moderately conserved and there is a moderate physicochemical difference between threonine and methionine. This variant is present in population databases (rs763369342, ExAC 0.002%). This variant has not been reported in the literature in individuals affected with BRAT1-related conditions. Algorithms developed to predict the effect of missense changes on protein structure and function (SIFT, PolyPhen-2, Align-GVGD) all suggest that this variant is likely to be tolerated. In summary, the available evidence is currently insufficient to determine the role of this variant in disease. Therefore, it has been classified as a Variant of Uncertain Significance.